The following is an entry in ClinVar:

NM_001805.4(CEBPE):c.356C>A (p.Ala119Glu)

Gene: CEBPE (CCAAT enhancer binding protein epsilon; minus strand). Cytogenetic location: 14q11.2.
Variant type: single nucleotide variant.
Coding change: c.356C>A on transcript NM_001805.4 (MANE Select); coding-DNA position 356, C replaced by A.
Protein change: p.Ala119Glu; replaces alanine 119 with glutamic acid.
Molecular consequence: missense variant.
Genome position (GRCh38, 1-based): chr14:23,118,736, G>T on the plus strand (C>A on the coding strand, the complement: CEBPE is on the minus strand). VCF-style: chr14-23118736-G-T. GRCh37 (hg19) VCF-style: chr14-23587945-G-T.
Other names: short protein forms A119E.
Identifiers: ClinVar variation 841081 (VCV000841081.5), dbSNP rs752134859, ClinGen allele CA7111230.
Genomic context (GRCh38, chr14:23,118,736, plus strand): 5'-TTGTAGCTGCCTCGGCTGGCAGCTCGGCTGCCCTCTGGCCCCCGGGGCTCCTCCTTCACC[G>T]CCACAGCCCTGGGGTCGTAGCTCCCTGGGCTGCTGTAGATGCCAGGCCCCAGCGCCTTCC-3'
Protein context (NP_001796.2, residues 109-129): SPGSYDPRAV[Ala119Glu]VKEEPRGPEG

ClinVar aggregate classification (germline): Uncertain significance (1 of 4 stars; one submission).

Conditions:
Specific granule deficiency. Identifiers: Orphanet 169142, MedGen C0398593, MONDO:0009506.

Allele frequency attached by ClinVar (database versions not stated): TOPMed 0.00004.
gnomAD v4.1: 37 of 1,612,818 alleles (0.0023%); highest among the groups gnomAD compares: African/African-American, 0.004%; no homozygotes.

Submission:

Labcorp Genetics (formerly Invitae), Labcorp
Classification: Uncertain significance for Specific granule deficiency. Last evaluated: 2021-10-28. Review status: criteria provided, single submitter. Criteria: Invitae Variant Classification Sherloc (09022015). Collection method: clinical testing. Allele origin: germline.
Comment: This sequence change replaces alanine, which is neutral and non-polar, with glutamic acid, which is acidic and polar, at codon 119 of the CEBPE protein (p.Ala119Glu). This variant is present in population databases (rs752134859, gnomAD 0.008%). This variant has not been reported in the literature in individuals affected with CEBPE-related conditions. ClinVar contains an entry for this variant (Variation ID: 841081). Algorithms developed to predict the effect of missense changes on protein structure and function (SIFT, PolyPhen-2, Align-GVGD) all suggest that this variant is likely to be tolerated. In summary, the available evidence is currently insufficient to determine the role of this variant in disease. Therefore, it has been classified as a Variant of Uncertain Significance.